The following is an entry in ClinVar:

NM_000097.7(CPOX):c.1054C>T (p.Arg352Cys)

Gene: CPOX (coproporphyrinogen oxidase; minus strand). Cytogenetic location: 3q11.2.
Variant type: single nucleotide variant.
Coding change: c.1054C>T on transcript NM_000097.7 (MANE Select); coding-DNA position 1054, C replaced by T.
Protein change: p.Arg352Cys; replaces arginine 352 with cysteine.
Molecular consequence: missense variant.
Genome position (GRCh38, 1-based): chr3:98,585,559, G>A on the plus strand (C>T on the coding strand, the complement: CPOX is on the minus strand). VCF-style: chr3-98585559-G-A. GRCh37 (hg19) VCF-style: chr3-98304403-G-A.
Other names: c.1054C>T, p.Arg352Cys (LRG_1077t1); short protein forms R352C.
Identifiers: ClinVar variation 346976 (VCV000346976.18), dbSNP rs11921054, ClinGen allele CA2511533.

ClinVar aggregate classification (germline): Benign. Review status: criteria provided, multiple submitters, no conflicts (2 of 4 stars). 6 submissions from 6 submitters: Benign (6). Last evaluated 2026-02-01.

Conditions:
Hereditary coproporphyria (HCP). Also called: Hereditary coproporphyria porphyria; Porphyria hepatica coproporphyria; Porphyria hepatica II; CPRO deficiency; COPROPORPHYRINOGEN OXIDASE DEFICIENCY; CPO DEFICIENCY. Identifiers: Orphanet 79273, MedGen C0162531, MONDO:0007369, OMIM 121300.

Allele frequency attached by ClinVar (database versions not stated): TOPMed 0.05354; 1000 Genomes Project 30x 0.05824; gnomAD 0.04947 and 0.04723; gnomAD exomes 0.01568; 1000 Genomes Project 0.05511; ExAC 0.02388; ESP Exome Variant Server 0.04721.
gnomAD v4.1: 30,663 of 1,614,000 alleles (1.9%); highest among the groups gnomAD compares: African/African-American, 13%; 897 homozygotes.

Submissions (6):

Labcorp Genetics (formerly Invitae), Labcorp
Classification: Benign. Last evaluated: 2026-02-01. Review status: criteria provided, single submitter. Criteria: Invitae Variant Classification Sherloc (09022015). Collection method: clinical testing. Allele origin: germline.

Dasa
Classification: Benign. Last evaluated: 2026-01-28. Review status: criteria provided, single submitter. Criteria: DASA Assertion Criteria. Collection method: clinical testing. Allele origin: germline.
Comment: NM_000097.7(CPOX):c.1054C>T (p.Arg352Cys) is a missense variant that results in the substitution of arginine with cysteine. Population frequency is inconsistent with a disease-causing role for this variant. Therefore, based on the currently available evidence, this variant is classified as benign.

Mayo Clinic Laboratories, Mayo Clinic
Classification: Benign. Last evaluated: 2022-01-07. Review status: criteria provided, single submitter. Criteria: ACMG Guidelines, 2015. Collection method: clinical testing. Allele origin: germline. Observed: 79 variant alleles.

GeneDx
Classification: Benign. Last evaluated: 2021-06-10. Review status: criteria provided, single submitter. Criteria: GeneDx Variant Classification Process June 2021. Collection method: clinical testing. Allele origin: germline. Affected: yes.

Illumina Laboratory Services, Illumina
Classification: Benign for Hereditary coproporphyria. Last evaluated: 2018-01-13. Review status: criteria provided, single submitter. Criteria: ICSL Variant Classification Criteria 13 December 2019. Collection method: clinical testing. Allele origin: germline.
Comment: This variant was observed in the ICSL laboratory as part of a predisposition screen in an ostensibly healthy population. It had not been previously curated by ICSL or reported in the Human Gene Mutation Database (HGMD: prior to June 1st, 2018), and was therefore a candidate for classification through an automated scoring system. Utilizing variant allele frequency, disease prevalence and penetrance estimates, and inheritance mode, an automated score was calculated to assess if this variant is too frequent to cause the disease. Based on the score and internal cut-off values, a variant classified as benign is not then subjected to further curation. The score for this variant resulted in a classification of benign for this disease.

Breakthrough Genomics
Classification: Benign. Review status: criteria provided, single submitter. Criteria: ACMG Guidelines, 2015. Collection method: not provided. Allele origin: germline. Inheritance: Autosomal recessive inheritance. Affected: yes.